The following is an entry in ClinVar:

NM_001378120.1(MBD5):c.2113del (p.Leu705fs)

Gene: MBD5 (methyl-CpG binding domain protein 5; plus strand). Cytogenetic location: 2q23.1.
Variant type: Deletion.
Coding change: c.2113del on transcript NM_001378120.1 (MANE Select); coding-DNA position 2113, one base deleted (C; older notation c.2113delC).
Protein change: p.Leu705fs; shifts the reading frame from leucine 705.
Molecular consequence: frameshift variant.
Genome position (GRCh38, 1-based): chr2:148,470,056, C deleted. VCF-style (leftmost placement, unchanged base first): chr2-148470055-AC-A. GRCh37 (hg19) VCF-style: chr2-149227624-AC-A.
Other names: c.2113del, p.Leu705fs (NM_018328.5); short protein forms L705fs.
Identifiers: ClinVar variation 1450097 (VCV001450097.6), dbSNP rs2105639771, ClinGen allele CA2573133304.
Genomic context (GRCh38, chr2:148,470,055, plus strand): 5'-ACCTGACTTGCTAAGGAAGCAGGGTCAGGGTTCATTTCCCATCAGTTCAATGTCTCAGTT[AC>A]TACAGTCTATGAGTTGTCAAAGCTCTCACTTGAGTAGCAATAGTACCCCGGGTTGTGGGG-3'

ClinVar aggregate classification (germline): Pathogenic (1 of 4 stars; one submission).

Conditions:
Intellectual developmental disorder, autosomal dominant 1. Also called: Intellectual disability, autosomal dominant 1; MBD5 Haploinsufficiency. Identifiers: Orphanet 228402, MedGen C1969562, MONDO:0007974, OMIM 156200.

Submission:

Labcorp Genetics (formerly Invitae), Labcorp
Classification: Pathogenic for Intellectual developmental disorder, autosomal dominant 1. Last evaluated: 2021-11-13. Review status: criteria provided, single submitter. Criteria: Invitae Variant Classification Sherloc (09022015). Collection method: clinical testing. Allele origin: germline.
Comment: This sequence change creates a premature translational stop signal (p.Leu705Tyrfs*4) in the MBD5 gene. It is expected to result in an absent or disrupted protein product. Loss-of-function variants in MBD5 are known to be pathogenic (PMID: 23422940, 23587880). This variant is not present in population databases (gnomAD no frequency). This variant has not been reported in the literature in individuals affected with MBD5-related conditions. For these reasons, this variant has been classified as Pathogenic.

Literature cited by the submitters: PubMed 23422940; PubMed 23587880.